The following is an entry in ClinVar:

ClinVar aggregate classification (germline): Pathogenic/Likely pathogenic. Review status: criteria provided, multiple submitters, no conflicts (2 of 4 stars). 2 submissions from 2 submitters: Pathogenic (1); Likely pathogenic (1). Last evaluated 2026-01-12.

Conditions:
Orofaciodigital syndrome type 14. Also called: Orofaciodigital syndrome xiv. Identifiers: Orphanet 434179, MedGen C4706604, MONDO:0014413, OMIM 615948.

Submissions (2):

Labcorp Genetics (formerly Invitae), Labcorp
Classification: Pathogenic. Last evaluated: 2026-01-12. Review status: criteria provided, single submitter. Criteria: Invitae Variant Classification Sherloc (09022015). Collection method: clinical testing. Allele origin: germline.
Comment: This sequence change creates a premature translational stop signal (p.Ser990Trpfs*19) in the C2CD3 gene. It is expected to result in an absent or disrupted protein product. Loss-of-function variants in C2CD3 are known to be pathogenic (PMID: 24997988, 26477546). This variant is present in population databases (no rsID available, gnomAD 0.0009%). This variant has not been reported in the literature in individuals affected with C2CD3-related conditions. For these reasons, this variant has been classified as Pathogenic.

Women's Health and Genetics/Laboratory Corporation of America, LabCorp
Classification: Likely pathogenic for Orofaciodigital syndrome type 14. Last evaluated: 2022-12-07. Review status: criteria provided, single submitter. Criteria: LabCorp Variant Classification Summary - May 2015. Collection method: clinical testing. Allele origin: germline.
Comment: Variant summary: C2CD3 c.2969_2972delinsGGTTTACA (p.Ser990TrpfsX19) results in a premature termination codon, predicted to cause a truncation of the encoded protein or absence of the protein due to nonsense mediated decay, which are commonly known mechanisms for disease. Truncations downstream of this position have been classified as pathogenic in ClinVar. The variant was absent in 250728 control chromosomes (gnomAD). To our knowledge, no occurrence of c.2969_2972delinsGGTTTACA in individuals affected with Orofaciodigital Syndrome Type 14 and no experimental evidence demonstrating its impact on protein function have been reported. No clinical diagnostic laboratories have submitted clinical-significance assessments for this variant to ClinVar after 2014. Based on the evidence outlined above, the variant was classified as likely pathogenic.

Literature cited by the submitters: PubMed 24997988 (cited by Labcorp Genetics (formerly Invitae), Labcorp); PubMed 26477546 (cited by Labcorp Genetics (formerly Invitae), Labcorp).

NM_001286577.2(C2CD3):c.2969_2972delinsGGTTTACA (p.Ser990fs)

Gene: C2CD3 (C2 domain containing 3 centriole elongation regulator; minus strand). Cytogenetic location: 11q13.4.
Variant type: Indel.
Coding change: c.2969_2972delinsGGTTTACA on transcript NM_001286577.2 (MANE Select); coding-DNA positions 2969 to 2972, CTGT replaced by GGTTTACA.
Protein change: p.Ser990fs; shifts the reading frame from serine 990.
Molecular consequence: frameshift variant.
Genome position (GRCh38, 1-based): chr11:74,098,016-74,098,019, ACAG replaced by TGTAAACC on the plus strand (CTGT replaced by GGTTTACA on the coding strand, the reverse complement: C2CD3 is on the minus strand). VCF-style: chr11-74098016-ACAG-TGTAAACC. GRCh37 (hg19) VCF-style: chr11-73809061-ACAG-TGTAAACC.
Other names: c.2969_2972delinsGGTTTACA, p.Ser990fs (NM_015531.6); short protein forms S990fs.
Identifiers: ClinVar variation 1878236 (VCV001878236.6), dbSNP rs2496429489, ClinGen allele CA2580084878.